The following is an entry in ClinVar:

NM_002485.5(NBN):c.1781G>T (p.Arg594Met)

Gene: NBN (nibrin; minus strand). Cytogenetic location: 8q21.3.
Variant type: single nucleotide variant.
Coding change: c.1781G>T on transcript NM_002485.5 (MANE Select); coding-DNA position 1781, G replaced by T.
Protein change: p.Arg594Met; replaces arginine 594 with methionine.
Molecular consequence: missense variant.
Genome position (GRCh38, 1-based): chr8:89,953,308, C>A on the plus strand (G>T on the coding strand, the complement: NBN is on the minus strand). VCF-style: chr8-89953308-C-A. GRCh37 (hg19) VCF-style: chr8-90965536-C-A.
Other names: c.1535G>T, p.Arg512Met (NM_001024688.3); short protein forms R512M, R594M.
Identifiers: ClinVar variation 3403058 (VCV003403058.1).

ClinVar aggregate classification (germline): Uncertain significance (1 of 4 stars; one submission).

Conditions:
Hereditary cancer-predisposing syndrome. Also called: Hereditary Cancer Syndrome; Tumor predisposition; Hereditary neoplastic syndrome; Neoplastic Syndromes, Hereditary. Identifiers: Orphanet 140162, MedGen C0027672, MeSH D009386, MONDO:0015356.

Submission:

Ambry Genetics
Classification: Uncertain significance for Hereditary cancer-predisposing syndrome. Last evaluated: 2024-08-29. Review status: criteria provided, single submitter. Criteria: Ambry Variant Classification Scheme 2023. Collection method: clinical testing. Allele origin: germline.
Comment: The p.R594M variant (also known as c.1781G>T), located in coding exon 11 of the NBN gene, results from a G to T substitution at nucleotide position 1781. The arginine at codon 594 is replaced by methionine, an amino acid with similar properties. This amino acid position is well conserved in available vertebrate species. In addition, this alteration is predicted to be tolerated by in silico analysis. Based on the available evidence, the clinical significance of this variant remains unclear.